The following is an entry in ClinVar:

NM_002485.5(NBN):c.2050A>T (p.Asn684Tyr)

Gene: NBN (nibrin; minus strand). Cytogenetic location: 8q21.3.
Variant type: single nucleotide variant.
Coding change: c.2050A>T on transcript NM_002485.5 (MANE Select); coding-DNA position 2050, A replaced by T.
Protein change: p.Asn684Tyr; replaces asparagine 684 with tyrosine.
Molecular consequence: missense variant.
Genome position (GRCh38, 1-based): chr8:89,946,160, T>A on the plus strand (A>T on the coding strand, the complement: NBN is on the minus strand). VCF-style: chr8-89946160-T-A. GRCh37 (hg19) VCF-style: chr8-90958388-T-A.
Other names: c.1804A>T, p.Asn602Tyr (NM_001024688.3); short protein forms N602Y, N684Y.
Identifiers: ClinVar variation 3222422 (VCV003222422.1), dbSNP rs1810176238, ClinGen allele CA371676359.

ClinVar aggregate classification (germline): Uncertain significance (1 of 4 stars; one submission).

Conditions:
Hereditary cancer-predisposing syndrome. Also called: Tumor predisposition; Hereditary neoplastic syndrome; Hereditary Cancer Syndrome; Neoplastic Syndromes, Hereditary. Identifiers: Orphanet 140162, MedGen C0027672, MeSH D009386, MONDO:0015356.

Submission:

Ambry Genetics
Classification: Uncertain significance for Hereditary cancer-predisposing syndrome. Last evaluated: 2023-09-21. Review status: criteria provided, single submitter. Criteria: Ambry Variant Classification Scheme 2023. Collection method: clinical testing. Allele origin: germline.
Comment: The p.N684Y variant (also known as c.2050A>T), located in coding exon 13 of the NBN gene, results from an A to T substitution at nucleotide position 2050. The asparagine at codon 684 is replaced by tyrosine, an amino acid with dissimilar properties. This amino acid position is highly conserved in available vertebrate species. In addition, the in silico prediction for this alteration is inconclusive. Since supporting evidence is limited at this time, the clinical significance of this alteration remains unclear.